The following is an entry in ClinVar:

ClinVar aggregate classification (germline): Likely benign. Review status: criteria provided, multiple submitters, no conflicts (2 of 4 stars). 3 submissions from 3 submitters: Likely benign (2). 1 of the submissions does not count toward it. Last evaluated 2026-01-24.

Conditions:
Joubert syndrome 25 (JBTS25). Identifiers: Orphanet 475, MedGen C4084842, MONDO:0014770, OMIM 616781.
CEP104-related disorder. Also called: CEP104-related condition.

Allele frequency attached by ClinVar (database versions not stated): gnomAD 0.00001; gnomAD exomes 0.00001; TOPMed 0.00001; ExAC 0.00004.
gnomAD v4.1: 22 of 1,553,434 alleles (0.0014%); highest among the groups gnomAD compares: Middle Eastern, 0.017%; no homozygotes.

Submissions (3):

Labcorp Genetics (formerly Invitae), Labcorp
Classification: Likely benign for Joubert syndrome 25. Last evaluated: 2026-01-24. Review status: criteria provided, single submitter. Criteria: Invitae Variant Classification Sherloc (09022015). Collection method: clinical testing. Allele origin: germline.

Blueprint Genetics
Classification: Likely benign. Last evaluated: 2024-03-05. Review status: criteria provided, single submitter. Criteria: ACMG Guidelines, 2015. Collection method: clinical testing. Allele origin: germline.

PreventionGenetics, part of Exact Sciences
Classification: Likely benign for CEP104-related condition. Last evaluated: 2023-09-29. Review status: no assertion criteria provided. Collection method: clinical testing. Allele origin: germline. Not counted in ClinVar's aggregate classification.
Comment: This variant is classified as likely benign based on ACMG/AMP sequence variant interpretation guidelines (Richards et al. 2015 PMID: 25741868, with internal and published modifications).

NM_014704.4(CEP104):c.2610G>A (p.Thr870=)

Gene: CEP104 (centrosomal protein 104; minus strand). Cytogenetic location: 1p36.32.
Variant type: single nucleotide variant.
Coding change: c.2610G>A on transcript NM_014704.4 (MANE Select); coding-DNA position 2610, G replaced by A.
Protein change: p.Thr870=; no amino-acid change (threonine 870 retained).
Molecular consequence: synonymous variant.
Genome position (GRCh38, 1-based): chr1:3,816,332, C>T on the plus strand (G>A on the coding strand, the complement: CEP104 is on the minus strand). VCF-style: chr1-3816332-C-T. GRCh37 (hg19) VCF-style: chr1-3732896-C-T.
Identifiers: ClinVar variation 3051521 (VCV003051521.4), dbSNP rs759967359, ClinGen allele CA551221.
Genomic context (GRCh38, chr1:3,816,332, plus strand): 5'-TCCCTCACCTGGCTGCAGTGCCGGGGCCTTCTGCAGAATGTGTGTCTTGCGCAGGTTCAT[C>T]GTGCAGCCGGCTGGGCCCATCAGGTGAGCTTTCCATGCCTGCAGCAGAGGAGGCACACAG-3'
Protein context (NP_055519.1, residues 860-880): KAHLMGPAGC[Thr870=]MNLRKTHILQ